The following is an entry in ClinVar:

ClinVar aggregate classification (germline): Pathogenic. Review status: criteria provided, single submitter (1 of 4 stars). 2 submissions from 2 submitters: Pathogenic (1). 1 of the submissions does not count toward it. Last evaluated 2016-10-24.

Submissions (2):

GeneDx
Classification: Pathogenic. Last evaluated: 2016-10-24. Review status: criteria provided, single submitter. Criteria: GeneDx Variant Classification (06012015). Collection method: clinical testing. Allele origin: germline. Affected: yes.
Comment: The E138K pathogenic variant in the LMNA gene has been reported previously in association with Hutchinson-Gilford progeria, seen both as a de novo variant and being inherited from an apparently healthy father who showed a somatic cell mosaicism (Gonzalez-Quereda et al., 2011; Doubaj et al., 2012). The E138K variant was not observed in approximately 6,500 individuals of European and African American ancestry in the NHLBI Exome Sequencing Project, indicating it is not a common benign variant in these populations. The E138K variant is a non-conservative amino acid substitution, which is likely to impact secondary protein structure as these residues differ in polarity, charge, size and/or other properties. This substitution occurs at a position that is conserved across species. In silico analysis predicts this variant is probably damaging to the protein structure/function. We interpret E138K as a pathogenic variant.

Epithelial Biology; Institute of Medical Biology, Singapore
No classification provided. Review status: no classification provided. Collection method: not provided. Allele origin: not provided. Not counted in ClinVar's aggregate classification.

NM_170707.4(LMNA):c.412G>A (p.Glu138Lys)

Genes: LMNA (lamin A/C; plus strand), LOC126805877 (MED14-independent group 3 enhancer GRCh37_chr1:156099693-156100892; plus strand). Cytogenetic location: 1q22.
Variant type: single nucleotide variant.
Coding change: c.412G>A on transcript NM_170707.4 (MANE Select); coding-DNA position 412, G replaced by A.
Protein change: p.Glu138Lys; replaces glutamic acid 138 with lysine.
Molecular consequence: missense variant.
Genome position (GRCh38, 1-based): chr1:156,130,672, G>A. VCF-style: chr1-156130672-G-A. GRCh37 (hg19) VCF-style: chr1-156100463-G-A.
Other names: c.76G>A, p.Glu26Lys (NM_001257374.3); c.169G>A, p.Glu57Lys (NM_001282624.2); c.412G>A, p.Glu138Lys (NM_001282625.2, NM_001282626.2, NM_005572.4 and 1 more transcripts); short protein forms E138K, E26K, E57K.
Identifiers: ClinVar variation 66897 (VCV000066897.2), dbSNP rs267607649, ClinGen allele CA018066.
Genomic context (GRCh38, chr1:156,130,672, plus strand): 5'-TTTAGCAATACCAAGAAGGAGGGTGACCTGATAGCTGCTCAGGCTCGGCTGAAGGACCTG[G>A]AGGCTCTGCTGAACTCCAAGGAGGCCGCACTGAGCACTGCTCTCAGTGAGAAGCGCACGC-3'
Protein context (NP_733821.1, residues 128-148): IAAQARLKDL[Glu138Lys]ALLNSKEAAL